The following is an entry in ClinVar:

ClinVar aggregate classification (germline): Benign/Likely benign. Review status: criteria provided, multiple submitters, no conflicts (2 of 4 stars). 5 submissions from 5 submitters: Benign (1); Likely benign (4). Last evaluated 2025-12-01.

Conditions:
Frontometaphyseal dysplasia (FMD1). Identifiers: Orphanet 1826, MedGen C0265293, MONDO:0015942.
Heterotopia, periventricular, X-linked dominant (PVNH1). Also called: X-linked periventricular heterotopia; PERIVENTRICULAR NODULAR HETEROTOPIA 4; HETEROTOPIA, PERIVENTRICULAR, 1; PERIVENTRICULAR NODULAR HETEROTOPIA 1. Identifiers: Orphanet 2149, Orphanet 82004, MedGen C1848213, MONDO:0010233, OMIM 300049.
Oto-palato-digital syndrome, type II (OPD2). Also called: Otopalatodigital Syndrome Type 2 (FLNA-OPD2); FACIOPALATOOSSEOUS SYNDROME; Otopalatodigital Syndrome, Type II; OPD II SYNDROME. Identifiers: Orphanet 669, Orphanet 90652, MedGen C1844696, MONDO:0010571, OMIM 304120.
Melnick-Needles syndrome (MNS). Also called: Melnick-Needles Syndrome (FLNA-MNS); MELNICK-NEEDLES OSTEODYSPLASTY; OSTEODYSPLASTY OF MELNICK AND NEEDLES. Identifiers: Orphanet 2484, MedGen C0025237, MONDO:0010650, OMIM 309350.
Familial thoracic aortic aneurysm and aortic dissection (TAAD). Also called: Thoracic aortic aneurysms and dissections. Identifiers: Orphanet 91387, MedGen C4707243, MONDO:0019625.

Allele frequency attached by ClinVar (database versions not stated): ExAC 0.00002; gnomAD 0.00002; gnomAD exomes 0.00002 and 0.00004; TOPMed 0.00002.
gnomAD v4.1: 45 of 1,209,832 alleles (0.0037%); highest among the groups gnomAD compares: Non-Finnish European, 0.0047%; no homozygotes.

Submissions (5):

CeGaT Center for Human Genetics Tuebingen
Classification: Likely benign. Last evaluated: 2025-12-01. Review status: criteria provided, single submitter. Criteria: CeGaT Center For Human Genetics Tuebingen Variant Classification Criteria Version 2. Collection method: clinical testing. Allele origin: germline. Affected: yes. Observed: 1 variant allele.
Comment: FLNA: BP4, BP7, BS2

Labcorp Genetics (formerly Invitae), Labcorp
Classification: Benign for Oto-palato-digital syndrome, type II; Heterotopia, periventricular, X-linked dominant; Frontometaphyseal dysplasia; Melnick-Needles syndrome. Last evaluated: 2025-03-25. Review status: criteria provided, single submitter. Criteria: Invitae Variant Classification Sherloc (09022015). Collection method: clinical testing. Allele origin: germline.

Blueprint Genetics
Classification: Likely benign. Last evaluated: 2023-11-17. Review status: criteria provided, single submitter. Criteria: ACMG Guidelines, 2015. Collection method: clinical testing. Allele origin: germline.

Ambry Genetics
Classification: Likely benign for Familial thoracic aortic aneurysm and aortic dissection. Last evaluated: 2021-05-20. Review status: criteria provided, single submitter. Criteria: Ambry Variant Classification Scheme 2023. Collection method: clinical testing. Allele origin: germline.

GeneDx
Classification: Likely benign. Last evaluated: 2019-04-22. Review status: criteria provided, single submitter. Criteria: GeneDx Variant Classification Process June 2021. Collection method: clinical testing. Allele origin: germline. Affected: yes.

NM_001110556.2(FLNA):c.2661C>T (p.Val887=)

Gene: FLNA (filamin A; minus strand). Cytogenetic location: Xq28.
Variant type: single nucleotide variant.
Coding change: c.2661C>T on transcript NM_001110556.2 (MANE Select); coding-DNA position 2661, C replaced by T.
Protein change: p.Val887=; no amino-acid change (valine 887 retained).
Molecular consequence: synonymous variant.
Genome position (GRCh38, 1-based): chrX:154,362,144, G>A on the plus strand (C>T on the coding strand, the complement: FLNA is on the minus strand). VCF-style: chrX-154362144-G-A. GRCh37 (hg19) VCF-style: chrX-153590512-G-A.
Other names: c.2661C>T, p.Val887= (NM_001456.4).
Identifiers: ClinVar variation 509003 (VCV000509003.15), dbSNP rs781794634, ClinGen allele CA10560859.